The following is an entry in ClinVar:

NM_001376.5(DYNC1H1):c.1702C>A (p.Leu568Ile)

Gene: DYNC1H1 (dynein cytoplasmic 1 heavy chain 1; plus strand). Cytogenetic location: 14q32.31.
Variant type: single nucleotide variant.
Coding change: c.1702C>A on transcript NM_001376.5 (MANE Select); coding-DNA position 1702, C replaced by A.
Protein change: p.Leu568Ile; replaces leucine 568 with isoleucine.
Molecular consequence: missense variant.
Genome position (GRCh38, 1-based): chr14:101,985,927, C>A. VCF-style: chr14-101985927-C-A. GRCh37 (hg19) VCF-style: chr14-102452264-C-A.
Other names: short protein forms L568I.
Identifiers: ClinVar variation 390610 (VCV000390610.2), dbSNP rs1057523839, ClinGen allele CA16606480.

ClinVar aggregate classification (germline): Likely pathogenic (1 of 4 stars; one submission).

Submission:

GeneDx
Classification: Likely pathogenic. Last evaluated: 2016-11-08. Review status: criteria provided, single submitter. Criteria: GeneDx Variant Classification (06012015). Collection method: clinical testing. Allele origin: germline. Affected: yes.
Comment: The L568I variant in the DYNC1H1 gene has not been reported previously as a pathogenic variant, nor as a benign variant, to our knowledge. This variant was not observed in approximately 6,500 individuals of European and African American ancestry in the NHLBI Exome Sequencing Project, indicating it is not a common benign variant in these populations. The L568I variant is a conservative amino acid substitution, which is not likely to impact secondary protein structure as these residues share similar properties. This substitution occurs at a position that is conserved across species. In silico analysis is inconsistent in its predictions as to whether or not the variant is damaging to the protein structure/function. The L568I variant is a strong candidate for a pathogenic variant